The following is an entry in ClinVar:

NM_007315.4(STAT1):c.2249_*2del (p.Val750fs)

Gene: STAT1 (signal transducer and activator of transcription 1; minus strand). Cytogenetic location: 2q32.2.
Variant type: Deletion.
Coding change: c.2249_*2del on transcript NM_007315.4 (MANE Select); coding-DNA position 2249 through 2 bases downstream of the stop codon, 7 bases deleted (TATAGAG; older notation c.2249_*2delTATAGAG).
Protein change: p.Val750fs; shifts the reading frame from valine 750.
Molecular consequence: frameshift variant.
Genome position (GRCh38, 1-based): chr2:190,970,701-190,970,707, CTCTATA deleted on the plus strand (TATAGAG on the coding strand, the reverse complement: STAT1 is on the minus strand); deleting any 7 consecutive bases within chr2:190,970,701-190,970,709 gives the same sequence; the c. name uses the placement nearest the transcript's 3' end. VCF-style (leftmost placement, unchanged base first): chr2-190970700-GCTCTATA-G. GRCh37 (hg19) VCF-style: chr2-191835426-GCTCTATA-G.
Other names: c.2189_*2del, p.Val730fs (NM_001384880.1); c.2255_*2del, p.Val752fs (NM_001384881.1); c.2243_*2del, p.Val748fs (NM_001384882.1); c.2150_*2del, p.Val717fs (NM_001384883.1); c.2012_*2del, p.Val671fs (NM_001384884.1); c.2090_*2del, p.Val697fs (NM_001384885.1); c.2273_*2del, p.Val758fs (NM_001384886.1); c.2156_*2del, p.Val719fs (NM_001384887.1); and 4 more; short protein forms V717fs, V730fs, V740fs, V746fs, V758fs, V762fs, V671fs, V748fs.
Identifiers: ClinVar variation 1999400 (VCV001999400.4), dbSNP rs2470390519, ClinGen allele CA2577191943.

ClinVar aggregate classification (germline): Uncertain significance (1 of 4 stars; one submission).

Conditions:
Autoimmune enteropathy and endocrinopathy - susceptibility to chronic infections syndrome. Also called: Immunodeficiency 31C, autosomal dominant; Immunodeficiency 31C. Identifiers: Orphanet 391487, MedGen C3279990, MONDO:0013599, OMIM 614162.
Mendelian susceptibility to mycobacterial diseases due to partial STAT1 deficiency. Also called: IMMUNODEFICIENCY 31A, MYCOBACTERIOSIS, AUTOSOMAL DOMINANT; STAT1 DEFICIENCY, AUTOSOMAL DOMINANT; Immunodeficiency 31a. Identifiers: Orphanet 319595, MedGen C4013950, MONDO:0013956, OMIM 614892.
Immunodeficiency 31B. Also called: STAT1 DEFICIENCY, AUTOSOMAL RECESSIVE; IMMUNODEFICIENCY 31B, MYCOBACTERIAL AND VIRAL INFECTIONS, AUTOSOMAL RECESSIVE. Identifiers: Orphanet 391311, MedGen C3151088, MONDO:0013427, OMIM 613796.

Submission:

Labcorp Genetics (formerly Invitae), Labcorp
Classification: Uncertain significance for Mendelian susceptibility to mycobacterial diseases due to partial STAT1 deficiency; Immunodeficiency 31B; Autoimmune enteropathy and endocrinopathy - susceptibility to chronic infections syndrome. Last evaluated: 2023-12-11. Review status: criteria provided, single submitter. Criteria: Invitae Variant Classification Sherloc (09022015). Collection method: clinical testing. Allele origin: germline.
Comment: This sequence change disrupts the translational stop signal of the STAT1 mRNA. It is expected to extend the length of the STAT1 protein by 0 additional amino acid residues. This variant is not present in population databases (gnomAD no frequency). This variant has not been reported in the literature in individuals affected with STAT1-related conditions. ClinVar contains an entry for this variant (Variation ID: 1999400). Experimental studies and prediction algorithms are not available or were not evaluated, and the functional significance of this variant is currently unknown. In summary, the available evidence is currently insufficient to determine the role of this variant in disease. Therefore, it has been classified as a Variant of Uncertain Significance.